The following is an entry in ClinVar:

NM_001042492.3(NF1):c.6035A>C (p.Asp2012Ala)

Gene: NF1 (neurofibromin 1; plus strand). Cytogenetic location: 17q11.2.
Variant type: single nucleotide variant.
Coding change: c.6035A>C on transcript NM_001042492.3 (MANE Select); coding-DNA position 6035, A replaced by C.
Protein change: p.Asp2012Ala; replaces aspartic acid 2012 with alanine.
Molecular consequence: missense variant.
Genome position (GRCh38, 1-based): chr17:31,336,361, A>C. VCF-style: chr17-31336361-A-C. GRCh37 (hg19) VCF-style: chr17-29663379-A-C.
Other names: c.5972A>C, p.Asp1991Ala (NM_000267.4); short protein forms D1991A, D2012A.
Identifiers: ClinVar variation 4886000 (VCV004886000.2).

ClinVar aggregate classification (germline): Uncertain significance (1 of 4 stars; one submission).

Submission:

Dasa
Classification: Uncertain significance. Last evaluated: 2025-05-26. Review status: criteria provided, single submitter. Criteria: DASA Assertion Criteria. Collection method: clinical testing. Allele origin: germline.
Comment: NM_001042492.3(NF1):c.6035A>C (p.Asp2012Ala) is a missense variant that results in the substitution of aspartic acid with alanine. This variant is absent from population databases. Computational prediction algorithms are consistent with a deleterious effect. The currently available literature and clinical evidence are not sufficient to establish a definitive association between this variant and the reported condition. Therefore, this variant is classified as a variant of uncertain significance.